The following is an entry in ClinVar:

NM_004958.4(MTOR):c.1257T>C (p.His419=)

Gene: MTOR (mechanistic target of rapamycin kinase; minus strand). Cytogenetic location: 1p36.22.
Variant type: single nucleotide variant.
Coding change: c.1257T>C on transcript NM_004958.4 (MANE Select); coding-DNA position 1257, T replaced by C.
Protein change: p.His419=; no amino-acid change (histidine 419 retained).
Molecular consequence: synonymous variant.
Genome position (GRCh38, 1-based): chr1:11,243,269, A>G on the plus strand (T>C on the coding strand, the complement: MTOR is on the minus strand). VCF-style: chr1-11243269-A-G. GRCh37 (hg19) VCF-style: chr1-11303326-A-G.
Other names: c.1257T>C, p.His419= (NM_001386500.1); c.9T>C, p.His3= (NM_001386501.1).
Identifiers: ClinVar variation 1141263 (VCV001141263.13), dbSNP rs142286050, ClinGen allele CA590767.

ClinVar aggregate classification (germline): Likely benign. Review status: criteria provided, multiple submitters, no conflicts (2 of 4 stars). 2 submissions from 2 submitters: Likely benign (2). Last evaluated 2026-06-01.

Allele frequency attached by ClinVar (database versions not stated): ExAC 0.00002; gnomAD exomes 0.00003 and 0.00007; gnomAD 0.00005 and 0.00006; TOPMed 0.00005; ESP Exome Variant Server 0.00008.
gnomAD v4.1: 101 of 1,614,024 alleles (0.0063%); highest among the groups gnomAD compares: Non-Finnish European, 0.0081%; no homozygotes.

Submissions (2):

CeGaT Center for Human Genetics Tuebingen
Classification: Likely benign. Last evaluated: 2026-06-01. Review status: criteria provided, single submitter. Criteria: CeGaT Center For Human Genetics Tuebingen Variant Classification Criteria Version 2. Collection method: clinical testing. Allele origin: germline. Affected: yes. Observed: 2 variant alleles.
Comment: MTOR: BP4, BP7

Labcorp Genetics (formerly Invitae), Labcorp
Classification: Likely benign. Last evaluated: 2025-04-21. Review status: criteria provided, single submitter. Criteria: Invitae Variant Classification Sherloc (09022015). Collection method: clinical testing. Allele origin: germline.